The following is an entry in ClinVar:

ClinVar aggregate classification (germline): Uncertain significance. Review status: criteria provided, multiple submitters, no conflicts (2 of 4 stars). 2 submissions from 2 submitters: Uncertain significance (2). Last evaluated 2025-01-20.

Conditions:
Dyskeratosis congenita. Identifiers: Orphanet 1775, MedGen C0265965, MONDO:0015780.
Inborn genetic diseases. Identifiers: MedGen C0950123, MeSH D030342.

Allele frequency attached by ClinVar (database versions not stated): TOPMed below 0.00001.
gnomAD v4.1: 7 of 1,610,674 alleles (0.00043%); highest among the groups gnomAD compares: Admixed American, 0.0084%; no homozygotes.

Submissions (2):

Labcorp Genetics (formerly Invitae), Labcorp
Classification: Uncertain significance for Dyskeratosis congenita. Last evaluated: 2025-01-20. Review status: criteria provided, single submitter. Criteria: Invitae Variant Classification Sherloc (09022015). Collection method: clinical testing. Allele origin: germline.
Comment: This sequence change replaces arginine, which is basic and polar, with serine, which is neutral and polar, at codon 561 of the CTC1 protein (p.Arg561Ser). This variant is present in population databases (rs202212634, gnomAD 0.01%). This variant has not been reported in the literature in individuals affected with CTC1-related conditions. ClinVar contains an entry for this variant (Variation ID: 529174). Invitae Evidence Modeling of protein sequence and biophysical properties (such as structural, functional, and spatial information, amino acid conservation, physicochemical variation, residue mobility, and thermodynamic stability) indicates that this missense variant is not expected to disrupt CTC1 protein function with a negative predictive value of 80%. In summary, the available evidence is currently insufficient to determine the role of this variant in disease. Therefore, it has been classified as a Variant of Uncertain Significance.

Ambry Genetics
Classification: Uncertain significance for Inborn genetic diseases. Last evaluated: 2022-07-26. Review status: criteria provided, single submitter. Criteria: Ambry Variant Classification Scheme 2023. Collection method: clinical testing. Allele origin: germline.

NM_025099.6(CTC1):c.1681C>A (p.Arg561Ser)

Gene: CTC1 (CST telomere replication complex component 1; minus strand). Cytogenetic location: 17p13.1.
Variant type: single nucleotide variant.
Coding change: c.1681C>A on transcript NM_025099.6 (MANE Select); coding-DNA position 1681, C replaced by A.
Protein change: p.Arg561Ser; replaces arginine 561 with serine.
Molecular consequence: missense variant. On other transcripts: non-coding transcript variant (1).
Genome position (GRCh38, 1-based): chr17:8,234,592, G>T on the plus strand (C>A on the coding strand, the complement: CTC1 is on the minus strand). VCF-style: chr17-8234592-G-T. GRCh37 (hg19) VCF-style: chr17-8137910-G-T.
Other names: short protein forms R561S.
Identifiers: ClinVar variation 529174 (VCV000529174.6), dbSNP rs202212634, ClinGen allele CA287535702.